The following is an entry in ClinVar:

NM_000141.5(FGFR2):c.116C>G (p.Pro39Arg)

Gene: FGFR2 (fibroblast growth factor receptor 2; minus strand). Cytogenetic location: 10q26.13.
Variant type: single nucleotide variant.
Coding change: c.116C>G on transcript NM_000141.5 (MANE Select); coding-DNA position 116, C replaced by G.
Protein change: p.Pro39Arg; replaces proline 39 with arginine.
Molecular consequence: missense variant. On other transcripts: intron variant (9).
Genome position (GRCh38, 1-based): chr10:121,565,698, G>C on the plus strand (C>G on the coding strand, the complement: FGFR2 is on the minus strand). VCF-style: chr10-121565698-G-C. GRCh37 (hg19) VCF-style: chr10-123325212-G-C.
Other names: c.116C>G, p.Pro39Arg (NM_001144913.1, NM_001144914.1, NM_001144917.2 and 3 more transcripts); c.110-14239C>G (NM_001144918.2, NM_001441091.1, NM_001441090.1 and 1 more transcripts); c.110-1119C>G (NM_001441089.1, NM_023029.3, NM_001441088.1 and 2 more transcripts); short protein forms P39R.
Identifiers: ClinVar variation 3381654 (VCV003381654.1).

ClinVar aggregate classification (germline): Uncertain significance (1 of 4 stars; one submission).

Submission:

GeneDx
Classification: Uncertain significance. Last evaluated: 2024-05-21. Review status: criteria provided, single submitter. Criteria: GeneDx Variant Classification Process June 2021. Collection method: clinical testing. Allele origin: germline. Affected: yes.
Comment: Not observed at significant frequency in large population cohorts (gnomAD); In silico analysis supports that this missense variant has a deleterious effect on protein structure/function; Has not been previously published as pathogenic or benign to our knowledge